The following is an entry in ClinVar:

ClinVar aggregate classification (germline): Uncertain significance (1 of 4 stars; one submission).

gnomAD v4.1: 14 of 1,537,320 alleles (0.00091%); highest among the groups gnomAD compares: South Asian, 0.015%; no homozygotes.

Submission:

Ambry Genetics
Classification: Uncertain significance. Last evaluated: 2025-08-29. Review status: criteria provided, single submitter. Criteria: Ambry Variant Classification Scheme 2023. Collection method: clinical testing. Allele origin: germline.
Comment: The c.82A>G (p.N28D) alteration is located in exon (coding exon ) of the USP40 gene. This alteration results from a A to G substitution at nucleotide position 82, causing the asparagine (N) at amino acid position 28 to be replaced by an aspartic acid (D). Based on insufficient or conflicting evidence, the clinical significance of this alteration remains unclear.

NM_001365479.2(USP40):c.46A>G (p.Asn16Asp)

Gene: USP40 (ubiquitin specific peptidase 40; minus strand). Cytogenetic location: 2q37.1.
Variant type: single nucleotide variant.
Coding change: c.46A>G on transcript NM_001365479.2 (MANE Select); coding-DNA position 46, A replaced by G.
Protein change: p.Asn16Asp; replaces asparagine 16 with aspartic acid.
Molecular consequence: missense variant. On other transcripts: non-coding transcript variant (6).
Genome position (GRCh38, 1-based): chr2:233,565,509, T>C on the plus strand (A>G on the coding strand, the complement: USP40 is on the minus strand). VCF-style: chr2-233565509-T-C. GRCh37 (hg19) VCF-style: chr2-234474155-T-C.
Other names: c.46A>G, p.Asn16Asp (NM_001382295.1, NM_001382296.1, NM_001382297.1 and 6 more transcripts); short protein forms N16D.
Identifiers: ClinVar variation 4197601 (VCV004197601.1).
Genomic context (GRCh38, chr2:233,565,509, plus strand): 5'-CTCTAGGAGCAGGTGGCTCCAAAGCTTTAGTCTTTAATTTCTTCCCTTTTCCATACTGAT[T>C]ATTAGACACAGTGGAATACTCCTCTTCAAACAGGTCCCCAAACATTGTGAAACTAAATAC-3'
Protein context (NP_001352408.1, residues 6-26): FEEEYSTVSN[Asn16Asp]QYGKGKKLKT